The following is an entry in ClinVar:

NM_004415.4(DSP):c.3684del (p.Glu1229fs)

Gene: DSP (desmoplakin; plus strand). Cytogenetic location: 6p24.3.
Variant type: Deletion.
Coding change: c.3684del on transcript NM_004415.4 (MANE Select); coding-DNA position 3684, one base deleted (A; older notation c.3684delA).
Protein change: p.Glu1229fs; shifts the reading frame from glutamic acid 1229.
Molecular consequence: frameshift variant. On other transcripts: intron variant (1).
Genome position (GRCh38, 1-based): chr6:7,579,874, A deleted; the last of 5 consecutive A bases (chr6:7,579,870-7,579,874); deleting any one gives the same sequence. VCF-style (leftmost placement, unchanged base first): chr6-7579869-CA-C. GRCh37 (hg19) VCF-style: chr6-7580102-CA-C.
Other names: c.3684del, p.Glu1229fs (NM_001319034.2); c.3582+102del (NM_001008844.3); short protein forms E1229fs.
Identifiers: ClinVar variation 1733909 (VCV001733909.2), dbSNP rs2533925243, ClinGen allele CA2580075400.

ClinVar aggregate classification (germline): Pathogenic (1 of 4 stars; one submission).

Conditions:
Cardiovascular phenotype. Identifiers: MedGen CN230736.

Submission:

Ambry Genetics
Classification: Pathogenic for Cardiovascular phenotype. Last evaluated: 2022-08-02. Review status: criteria provided, single submitter. Criteria: Ambry Variant Classification Scheme 2023. Collection method: clinical testing. Allele origin: germline.
Comment: The c.3684delA pathogenic mutation, located in coding exon 23 of the DSP gene, results from a deletion of one nucleotide at nucleotide position 3684, causing a translational frameshift with a predicted alternate stop codon (p.E1229Rfs*21). This variant is considered to be rare based on population cohorts in the Genome Aggregation Database (gnomAD). In addition, this alteration is expected to result in loss of function by premature protein truncation or nonsense-mediated mRNA decay. As such, this alteration is interpreted as a disease-causing mutation.